The following is an entry in ClinVar:

ClinVar aggregate classification (germline): Uncertain significance. Review status: criteria provided, multiple submitters, no conflicts (2 of 4 stars). 2 submissions from 2 submitters: Uncertain significance (2). Last evaluated 2024-11-30.

Conditions:
Inborn genetic diseases. Identifiers: MedGen C0950123, MeSH D030342.

Allele frequency attached by ClinVar (database versions not stated): gnomAD 0.00001 and 0.00002; gnomAD exomes 0.00001 and 0.00002; TOPMed 0.00001; ExAC 0.00002; 1000 Genomes Project 30x 0.00016; 1000 Genomes Project 0.00020.
gnomAD v4.1: 25 of 1,612,926 alleles (0.0015%); highest among the groups gnomAD compares: East Asian, 0.0022%; no homozygotes.

Submissions (2):

Ambry Genetics
Classification: Uncertain significance for Inborn genetic diseases. Last evaluated: 2024-11-30. Review status: criteria provided, single submitter. Criteria: Ambry Variant Classification Scheme 2023. Collection method: clinical testing. Allele origin: germline.
Comment: The p.M57V variant (also known as c.169A>G), located in coding exon 1 of the SAMD9 gene, results from an A to G substitution at nucleotide position 169. The methionine at codon 57 is replaced by valine, an amino acid with highly similar properties. This amino acid position is conserved. In addition, this alteration is predicted to be tolerated by in silico analysis. Based on the available evidence, the clinical significance of this variant remains unclear.

Labcorp Genetics (formerly Invitae), Labcorp
Classification: Uncertain significance. Last evaluated: 2022-06-15. Review status: criteria provided, single submitter. Criteria: Invitae Variant Classification Sherloc (09022015). Collection method: clinical testing. Allele origin: germline.
Comment: This sequence change replaces methionine, which is neutral and non-polar, with valine, which is neutral and non-polar, at codon 57 of the SAMD9 protein (p.Met57Val). The frequency data for this variant in the population databases is considered unreliable, as metrics indicate poor data quality at this position in the gnomAD database. This variant has not been reported in the literature in individuals affected with SAMD9-related conditions. Algorithms developed to predict the effect of missense changes on protein structure and function are either unavailable or do not agree on the potential impact of this missense change (SIFT: "Deleterious"; PolyPhen-2: "Benign"; Align-GVGD: "Class C0"). In summary, the available evidence is currently insufficient to determine the role of this variant in disease. Therefore, it has been classified as a Variant of Uncertain Significance.

NM_017654.4(SAMD9):c.169A>G (p.Met57Val)

Gene: SAMD9 (sterile alpha motif domain containing 9; minus strand). Cytogenetic location: 7q21.2.
Variant type: single nucleotide variant.
Coding change: c.169A>G on transcript NM_017654.4 (MANE Select); coding-DNA position 169, A replaced by G.
Protein change: p.Met57Val; replaces methionine 57 with valine.
Molecular consequence: missense variant.
Genome position (GRCh38, 1-based): chr7:93,105,929, T>C on the plus strand (A>G on the coding strand, the complement: SAMD9 is on the minus strand). VCF-style: chr7-93105929-T-C. GRCh37 (hg19) VCF-style: chr7-92735242-T-C.
Other names: c.169A>G, p.Met57Val (NM_001193307.2); c.169A>G (NM_017654.3); short protein forms M57V.
Identifiers: ClinVar variation 1521105 (VCV001521105.6), dbSNP rs201880188, ClinGen allele CA4343203.